The following is an entry in ClinVar:

NM_000750.5(CHRNB4):c.1045C>T (p.Arg349Cys)

Gene: CHRNB4 (cholinergic receptor nicotinic beta 4 subunit; minus strand). Cytogenetic location: 15q25.1.
Variant type: single nucleotide variant.
Coding change: c.1045C>T on transcript NM_000750.5 (MANE Select); coding-DNA position 1045, C replaced by T.
Protein change: p.Arg349Cys; replaces arginine 349 with cysteine.
Molecular consequence: missense variant. On other transcripts: intron variant (1).
Genome position (GRCh38, 1-based): chr15:78,629,260, G>A on the plus strand (C>T on the coding strand, the complement: CHRNB4 is on the minus strand). VCF-style: chr15-78629260-G-A. GRCh37 (hg19) VCF-style: chr15-78921602-G-A.
Other names: c.359+1816C>T (NM_001256567.3); short protein forms R349C.
Identifiers: ClinVar variation 2645613 (VCV002645613.24), dbSNP rs56235003, ClinGen allele CA7684838.

ClinVar aggregate classification (germline): Likely benign (1 of 4 stars; one submission).

Allele frequency attached by ClinVar (database versions not stated): 1000 Genomes Project 0.00399; 1000 Genomes Project 30x 0.00422; TOPMed 0.00503; ExAC 0.00552; gnomAD 0.00560; ESP Exome Variant Server 0.00693; gnomAD exomes 0.00723.

Submission:

CeGaT Center for Human Genetics Tuebingen
Classification: Likely benign. Last evaluated: 2022-12-01. Review status: criteria provided, single submitter. Criteria: CeGaT Center For Human Genetics Tuebingen Variant Classification Criteria Version 2. Collection method: clinical testing. Allele origin: germline. Affected: yes. Observed: 1 variant allele.
Comment: CHRNB4: BS2